The following is an entry in ClinVar:

ClinVar aggregate classification (germline): Likely benign. Review status: criteria provided, multiple submitters, no conflicts (2 of 4 stars). 3 submissions from 3 submitters: Likely benign (2). 1 of the submissions does not count toward it. Last evaluated 2026-08-01.

Conditions:
TUBGCP6-related disorder. Also called: TUBGCP6-related condition.

Allele frequency attached by ClinVar (database versions not stated): gnomAD exomes 0.00002; gnomAD 0.00013; ESP Exome Variant Server 0.00015; 1000 Genomes Project 0.00060; 1000 Genomes Project 30x 0.00187.

Submissions (3):

CeGaT Center for Human Genetics Tuebingen
Classification: Likely benign. Last evaluated: 2026-08-01. Review status: criteria provided, single submitter. Criteria: CeGaT Center For Human Genetics Tuebingen Variant Classification Criteria Version 2. Collection method: clinical testing. Allele origin: germline. Affected: yes. Observed: 2 variant alleles.
Comment: TUBGCP6: BP4, BP7

Labcorp Genetics (formerly Invitae), Labcorp
Classification: Likely benign. Last evaluated: 2025-09-15. Review status: criteria provided, single submitter. Criteria: Invitae Variant Classification Sherloc (09022015). Collection method: clinical testing. Allele origin: germline.

PreventionGenetics, part of Exact Sciences
Classification: Likely benign for TUBGCP6-related condition. Last evaluated: 2019-07-12. Review status: no assertion criteria provided. Collection method: clinical testing. Allele origin: germline. Not counted in ClinVar's aggregate classification.
Comment: This variant is classified as likely benign based on ACMG/AMP sequence variant interpretation guidelines (Richards et al. 2015 PMID: 25741868, with internal and published modifications).

NM_020461.4(TUBGCP6):c.3576T>C (p.Ser1192=)

Gene: TUBGCP6 (tubulin gamma complex component 6; minus strand). Cytogenetic location: 22q13.33.
Variant type: single nucleotide variant.
Coding change: c.3576T>C on transcript NM_020461.4 (MANE Select); coding-DNA position 3576, T replaced by C.
Protein change: p.Ser1192=; no amino-acid change (serine 1192 retained).
Molecular consequence: synonymous variant.
Genome position (GRCh38, 1-based): chr22:50,220,783, A>G on the plus strand (T>C on the coding strand, the complement: TUBGCP6 is on the minus strand). VCF-style: chr22-50220783-A-G. GRCh37 (hg19) VCF-style: chr22-50659212-A-G.
Other names: c.3576T>C (NM_020461.3).
Identifiers: ClinVar variation 1150211 (VCV001150211.43), dbSNP rs141527317, ClinGen allele CA10307899.